The following is an entry in ClinVar:

ClinVar aggregate classification (germline): Conflicting classifications of pathogenicity. Review status: criteria provided, conflicting classifications (1 of 4 stars). 10 submissions from 9 submitters: Uncertain significance (1); Benign (1); Likely benign (7). 1 of the submissions does not count toward it. Last evaluated 2026-04-09.

Conditions:
Autoinflammatory syndrome. Identifiers: Orphanet 93665, MedGen C3890737, MONDO:0019751.
Mevalonic aciduria (MEVA). Identifiers: Orphanet 29, MedGen C1959626, MONDO:0012481, OMIM 610377.
Hyperimmunoglobulin D with periodic fever (HIDS). Also called: Hyperimmunoglobulinemia D; HYPERIMMUNOGLOBULINEMIA D AND PERIODIC FEVER SYNDROME; Hyperimmunoglobulinemia D with periodic fever. Identifiers: Orphanet 343, MedGen C0398691, MONDO:0009849, OMIM 260920.
Porokeratosis 3, disseminated superficial actinic type (POROK3). Also called: POROKERATOSIS, DISSEMINATED SUPERFICIAL ACTINIC, 1; POROKERATOSIS 3, MULTIPLE TYPES; POROKERATOSIS 3, MIBELLI TYPE. Identifiers: MedGen C1867981, MONDO:0008293, OMIM 175900.
MVK-related disorder. Also called: MVK-related condition; MVK-related disorders. Identifiers: MedGen CN239294.

Allele frequency attached by ClinVar (database versions not stated): gnomAD exomes 0.00024 and 0.00070; ExAC 0.00089; gnomAD 0.00281 and 0.00297; ESP Exome Variant Server 0.00284; TOPMed 0.00310; 1000 Genomes Project 30x 0.00312; 1000 Genomes Project 0.00319.
gnomAD v4.1: 782 of 1,614,114 alleles (0.048%); highest among the groups gnomAD compares: African/African-American, 0.98%; 6 homozygotes.

Submissions (13):

Women's Health and Genetics/Laboratory Corporation of America, LabCorp
Classification: Likely benign. Last evaluated: 2026-04-09. Review status: criteria provided, single submitter. Criteria: LabCorp Variant Classification Summary - May 2015. Collection method: clinical testing. Allele origin: germline.
Comment: Variant summary: MVK c.226+4A>G alters a conserved nucleotide located close to a canonical splice site and therefore could affect mRNA splicing, leading to a significantly altered protein sequence. Several computational tools predict a significant impact on normal splicing: Five predict the variant weakens a 5' donor site. However, these predictions have yet to be confirmed by functional studies. The variant allele was found at a frequency of 0.0007 in 251344 control chromosomes, predominantly at a frequency of 0.01 within the African or African-American subpopulation in the gnomAD database, including 2 homozygotes. The observed variant frequency within African or African-American control individuals in the gnomAD database exceeds the estimated maximal expected allele frequency for disease-causing variants in MVK, providing supporting evidence for a benign role. To our knowledge, no occurrence of c.226+4A>G in individuals affected with MVK-related conditions and no experimental evidence demonstrating its impact on protein function have been reported. ClinVar contains an entry for this variant (Variation ID: 234378). Based on the evidence outlined above, the variant was classified as likely benign.

Labcorp Genetics (formerly Invitae), Labcorp
Classification: Benign for Mevalonic aciduria; Hyperimmunoglobulin D with periodic fever; Porokeratosis 3, disseminated superficial actinic type. Last evaluated: 2026-01-31. Review status: criteria provided, single submitter. Criteria: Invitae Variant Classification Sherloc (09022015). Collection method: clinical testing. Allele origin: germline.

Mayo Clinic Laboratories, Mayo Clinic
Classification: Likely benign. Last evaluated: 2025-09-04. Review status: criteria provided, single submitter. Criteria: ACMG Guidelines, 2015. Collection method: clinical testing. Allele origin: germline. Observed: 5 variant alleles.
Comment: BS1

ARUP Laboratories, Molecular Genetics and Genomics, ARUP Laboratories
Classification: Uncertain significance. Last evaluated: 2024-12-23. Review status: criteria provided, single submitter. Criteria: ARUP Molecular Germline Variant Investigation Process 2024. Collection method: clinical testing. Allele origin: germline.
Comment: The MVK c.226+4A>G variant (rs145732290), to our knowledge, is not reported in the medical literature but is reported in ClinVar (Variation ID: 234378). This variant is found in the African population with an allele frequency of 0.95% (237/24946 alleles, including 2 homozygotes) in the Genome Aggregation Database (v2.1.1). This is an intronic variant in a weakly conserved nucleotide, but computational analyses (Alamut Visual Plus v.1.5.1) predict that this variant may impact splicing by weakening the nearby canonical donor splice site. While the high population frequency suggests that this is likely a benign variant, given the lack of clinical and functional data, the significance of the c.226+4A>G variant is uncertain at this time.

Blueprint Genetics
Classification: Likely benign. Last evaluated: 2024-10-23. Review status: criteria provided, single submitter. Criteria: ACMG Guidelines, 2015. Collection method: clinical testing. Allele origin: germline.

Genome Diagnostics Laboratory, The Hospital for Sick Children
Classification: Likely benign for Autoinflammatory syndrome. Last evaluated: 2021-06-01. Review status: criteria provided, single submitter. Criteria: ACMG Guidelines, 2015. Collection method: clinical testing. Allele origin: germline. Affected: yes.

GeneDx
Classification: Likely benign. Last evaluated: 2020-12-28. Review status: criteria provided, single submitter. Criteria: GeneDx Variant Classification Process June 2021. Collection method: clinical testing. Allele origin: germline. Affected: yes.

Illumina Laboratory Services, Illumina
Classification: Likely benign for Hyperimmunoglobulin D with periodic fever. Last evaluated: 2018-01-13. Review status: criteria provided, single submitter. Criteria: ICSL Variant Classification Criteria 13 December 2019. Collection method: clinical testing. Allele origin: germline.
Comment: This variant was observed in the ICSL laboratory as part of a predisposition screen in an ostensibly healthy population. It had not been previously curated by ICSL or reported in the Human Gene Mutation Database (HGMD: prior to June 1st, 2018), and was therefore a candidate for classification through an automated scoring system. Utilizing variant allele frequency, disease prevalence and penetrance estimates, and inheritance mode, an automated score was calculated to assess if this variant is too frequent to cause the disease. Based on the score and internal cut-off values, a variant classified as likely benign is not then subjected to further curation. The score for this variant resulted in a classification of likely benign for this disease.

Illumina Laboratory Services, Illumina
Classification: Likely benign for Mevalonic aciduria. Last evaluated: 2018-01-13. Review status: criteria provided, single submitter. Criteria: ICSL Variant Classification Criteria 13 December 2019. Collection method: clinical testing. Allele origin: germline.
Comment: the same text as in the submission from Illumina Laboratory Services, Illumina above.

PreventionGenetics, part of Exact Sciences
Classification: Benign for MVK-related condition. Last evaluated: 2019-08-02. Review status: no assertion criteria provided. Collection method: clinical testing. Allele origin: germline. Not counted in ClinVar's aggregate classification.
Comment: This variant is classified as benign based on ACMG/AMP sequence variant interpretation guidelines (Richards et al. 2015 PMID: 25741868, with internal and published modifications).

Dr. Peter K. Rogan Lab, Western University
No classification provided (evidence only). Condition: Colon adenocarcinoma. Review status: no classification provided. Collection method: in vitro. Allele origin: not applicable. Functional consequence: retained intron. Not counted in ClinVar's aggregate classification.

Dr. Peter K. Rogan Lab, Western University
No classification provided (evidence only). Condition: Cervical cancer. Review status: no classification provided. Collection method: in vitro. Allele origin: not applicable. Functional consequence: retained intron. Not counted in ClinVar's aggregate classification.

Dr. Peter K. Rogan Lab, Western University
No classification provided (evidence only). Condition: Gastric cancer. Review status: no classification provided. Collection method: in vitro. Allele origin: not applicable. Functional consequence: retained intron. Not counted in ClinVar's aggregate classification.

Literature cited by the submitters: PubMed 29234874 (cited by Women's Health and Genetics/Laboratory Corporation of America, LabCorp).

NM_000431.4(MVK):c.226+4A>G

Gene: MVK (mevalonate kinase; plus strand). Cytogenetic location: 12q24.11.
Variant type: single nucleotide variant.
Coding change: c.226+4A>G on transcript NM_000431.4 (MANE Select); 4 bases into the intron after coding-DNA position 226, A replaced by G.
Molecular consequence: intron variant.
Genome position (GRCh38, 1-based): chr12:109,576,149, A>G. VCF-style: chr12-109576149-A-G. GRCh37 (hg19) VCF-style: chr12-110013954-A-G.
Other names: p.?; c.226+4A>G (NM_001301182.2, NM_001114185.3, LRG_156t1).
Identifiers: ClinVar variation 234378 (VCV000234378.30), dbSNP rs145732290, ClinGen allele CA6779169.